The following is an entry in ClinVar:

ClinVar aggregate classification (germline): Conflicting classifications of pathogenicity. Review status: criteria provided, conflicting classifications (1 of 4 stars). 5 submissions from 5 submitters: Uncertain significance (1); Likely benign (4). Last evaluated 2026-05-04.

Allele frequency attached by ClinVar (database versions not stated): gnomAD exomes 0.00036; ExAC 0.00087; 1000 Genomes Project 0.00120; ESP Exome Variant Server 0.00131.

Submissions (5):

Women's Health and Genetics/Laboratory Corporation of America, LabCorp
Classification: Likely benign. Last evaluated: 2026-05-04. Review status: criteria provided, single submitter. Criteria: LabCorp Variant Classification Summary - May 2015. Collection method: clinical testing. Allele origin: germline.
Comment: Variant summary: ICOSLG c.616G>A (p.Ala206Thr) results in a non-conservative amino acid change in the encoded protein sequence. Algorithms developed to predict the effect of missense changes on protein structure and function are either unavailable or do not agree on the potential impact of this missense change. The variant allele was found at a frequency of 0.00036 in 209034 control chromosomes, predominantly at a frequency of 0.0041 within the African or African-American subpopulation in the gnomAD database, including 1 homozygotes. The observed variant frequency within African or African-American control individuals in the gnomAD database exceeds the estimated maximal expected allele frequency for disease-causing variants in ICOSLG. To our knowledge, no occurrence of c.616G>A in individuals affected with ICOSLG-related conditions and no experimental evidence demonstrating its impact on protein function have been reported. ClinVar contains an entry for this variant (Variation ID: 1123581). Based on the evidence outlined above, the variant was classified as likely benign.

Labcorp Genetics (formerly Invitae), Labcorp
Classification: Likely benign. Last evaluated: 2026-01-27. Review status: criteria provided, single submitter. Criteria: Invitae Variant Classification Sherloc (09022015). Collection method: clinical testing. Allele origin: germline.

Ambry Genetics
Classification: Uncertain significance. Last evaluated: 2025-08-09. Review status: criteria provided, single submitter. Criteria: Ambry Variant Classification Scheme 2023. Collection method: clinical testing. Allele origin: germline.

Blueprint Genetics
Classification: Likely benign. Last evaluated: 2023-11-21. Review status: criteria provided, single submitter. Criteria: ACMG Guidelines, 2015. Collection method: clinical testing. Allele origin: germline.

CeGaT Center for Human Genetics Tuebingen
Classification: Likely benign. Last evaluated: 2022-06-01. Review status: criteria provided, single submitter. Criteria: CeGaT Center For Human Genetics Tuebingen Variant Classification Criteria Version 2. Collection method: clinical testing. Allele origin: germline. Affected: yes. Observed: 1 variant allele.
Comment: ICOSLG: BP4

NM_015259.6(ICOSLG):c.616G>A (p.Ala206Thr)

Gene: ICOSLG (inducible T cell costimulator ligand; minus strand). Cytogenetic location: 21q22.3.
Variant type: single nucleotide variant.
Coding change: c.616G>A on transcript NM_015259.6 (MANE Select); coding-DNA position 616, G replaced by A.
Protein change: p.Ala206Thr; replaces alanine 206 with threonine.
Molecular consequence: missense variant.
Genome position (GRCh38, 1-based): chr21:44,235,353, C>T on the plus strand (G>A on the coding strand, the complement: ICOSLG is on the minus strand). VCF-style: chr21-44235353-C-T. GRCh37 (hg19) VCF-style: chr21-45655236-C-T.
Other names: c.616G>A (NM_015259.4); c.616G>A, p.Ala206Thr (NM_001283050.2); c.265G>A, p.Ala89Thr (NM_001283051.2); c.361G>A, p.Ala121Thr (NM_001283052.2); c.535G>A, p.Ala179Thr (NM_001365759.2); short protein forms A121T, A179T, A206T, A89T.
Identifiers: ClinVar variation 1123581 (VCV001123581.36), dbSNP rs140894768, ClinGen allele CA321497126.
Genomic context (GRCh38, chr21:44,235,353, plus strand): 5'-GGTTCTGCTGCAGAAGCACGTTCTCTATGCAGCAGCCAATGTTCACGCTGGGGGTCCGTG[C>T]GATCCTCAGCACGCTGACCACGTCATACAAGCCCCGCATGTTCAAGAAGACGGTGTCATT-3'
Protein context (NP_056074.1, residues 196-216): LYDVVSVLRI[Ala206Thr]RTPSVNIGCC